The following is an entry in ClinVar:

ClinVar aggregate classification (germline): Uncertain significance. Review status: criteria provided, single submitter (1 of 4 stars). 2 submissions from 2 submitters: Uncertain significance (1). 1 of the submissions does not count toward it. Last evaluated 2025-08-27.

Conditions:
NRP1-related disorder. Also called: NRP1-related condition.

gnomAD v4.1: 14 of 1,613,994 alleles (0.00087%); highest among the groups gnomAD compares: Non-Finnish European, 0.0012%; no homozygotes.

Submissions (2):

Ambry Genetics
Classification: Uncertain significance. Last evaluated: 2025-08-27. Review status: criteria provided, single submitter. Criteria: Ambry Variant Classification Scheme 2023. Collection method: clinical testing. Allele origin: germline.

PreventionGenetics, part of Exact Sciences
Classification: Uncertain significance for NRP1-related condition. Last evaluated: 2024-06-12. Review status: no assertion criteria provided. Collection method: clinical testing. Allele origin: germline. Not counted in ClinVar's aggregate classification.
Comment: The NRP1 c.2745T>A variant is predicted to result in the amino acid substitution p.Asn915Lys. To our knowledge, this variant has not been reported in the literature. This variant is reported in 0.00088% of alleles in individuals of European (Non-Finnish) descent in gnomAD. At this time, the clinical significance of this variant is uncertain due to the absence of conclusive functional and genetic evidence.

NM_003873.7(NRP1):c.2745T>A (p.Asn915Lys)

Gene: NRP1 (neuropilin 1; minus strand). Cytogenetic location: 10p11.22.
Variant type: single nucleotide variant.
Coding change: c.2745T>A on transcript NM_003873.7 (MANE Select); coding-DNA position 2745, T replaced by A.
Protein change: p.Asn915Lys; replaces asparagine 915 with lysine.
Molecular consequence: missense variant. On other transcripts: non-coding transcript variant (1).
Genome position (GRCh38, 1-based): chr10:33,180,103, A>T on the plus strand (T>A on the coding strand, the complement: NRP1 is on the minus strand). VCF-style: chr10-33180103-A-T. GRCh37 (hg19) VCF-style: chr10-33469031-A-T.
Other names: c.2727T>A, p.Asn909Lys (NM_001244972.2); c.2724T>A, p.Asn908Lys (NM_001244973.2); c.2694T>A, p.Asn898Lys (NM_001330068.2); short protein forms N898K, N908K, N909K, N915K.
Identifiers: ClinVar variation 3350051 (VCV003350051.2).